The following is an entry in ClinVar:

NM_002225.5(IVD):c.994dup (p.Arg332fs)

Gene: IVD (isovaleryl-CoA dehydrogenase; plus strand). Cytogenetic location: 15q15.1.
Variant type: Duplication.
Coding change: c.994dup on transcript NM_002225.5 (MANE Select); coding-DNA position 994, one base duplicated (C; older notation c.994dupC).
Protein change: p.Arg332fs; shifts the reading frame from arginine 332.
Molecular consequence: frameshift variant. On other transcripts: non-coding transcript variant (1).
Genome position (GRCh38, 1-based): chr15:40,416,111, C duplicated; the last of 3 consecutive C bases (chr15:40,416,109-40,416,111); duplicating any one gives the same sequence. VCF-style (leftmost placement, unchanged base first): chr15-40416108-A-AC. GRCh37 (hg19) VCF-style: chr15-40708307-A-AC.
Other names: c.904dup, p.Arg302fs (NM_001159508.3); c.946dup, p.Arg316fs (NM_001354597.3); c.994dup, p.Arg332fs (NM_001354598.3, NM_001354601.3); c.1081dup, p.Arg361fs (NM_001354599.3, NM_001354600.3); short protein forms R302fs, R316fs, R332fs, R361fs.
Identifiers: ClinVar variation 5011785 (VCV005011785.1).

ClinVar aggregate classification (germline): Pathogenic (1 of 4 stars; one submission).

Conditions:
Isovaleryl-CoA dehydrogenase deficiency (IVA). Also called: ISOVALERIC ACID CoA DEHYDROGENASE DEFICIENCY; Isovaleric acidemia; IVD DEFICIENCY; Classic Isovaleric Acidemia. Identifiers: Orphanet 33, MedGen C0268575, MONDO:0009475, OMIM 243500.

Submission:

Myriad Genetics, Inc.
Classification: Pathogenic for Isovaleryl-CoA dehydrogenase deficiency. Last evaluated: 2023-09-27. Review status: criteria provided, single submitter. Criteria: Myriad Autosomal Dominant, Autosomal Recessive and X-Linked Classification Criteria (2023). Collection method: clinical testing. Allele origin: unknown.
Comment: NM_002225.3(IVD):c.1003dupC(R335Pfs*18) is expected to be pathogenic in the context of isovaleric acidemia. This variant is predicted to lead to an abnormal or absent protein product due to the creation of a premature termination codon in IVD, a gene where loss-of-function variants are known to be pathogenic. Please note: this variant was assessed in the context of healthy population screening.